The following is an entry in ClinVar:

NM_001605.3(AARS1):c.148A>G (p.Lys50Glu)

Gene: AARS1 (alanyl-tRNA synthetase 1; minus strand). Cytogenetic location: 16q22.1.
Variant type: single nucleotide variant.
Coding change: c.148A>G on transcript NM_001605.3 (MANE Select); coding-DNA position 148, A replaced by G.
Protein change: p.Lys50Glu; replaces lysine 50 with glutamic acid.
Molecular consequence: missense variant.
Genome position (GRCh38, 1-based): chr16:70,277,151, T>C on the plus strand (A>G on the coding strand, the complement: AARS1 is on the minus strand). VCF-style: chr16-70277151-T-C. GRCh37 (hg19) VCF-style: chr16-70311054-T-C.
Other names: short protein forms K50E.
Identifiers: ClinVar variation 2841048 (VCV002841048.3), dbSNP rs2507029864, ClinGen allele CA396569851.
Genomic context (GRCh38, chr16:70,277,151, plus strand): 5'-CAGCTCTGCTCAGCTTTGCCATGGGGTGAGATGGGTCAATTGTGTTCAGGAAAATGGGTT[T>C]AAACTAAAAGAGAAGGACAGCAGTTCAACTTTTAAAGGGTGCAAGTGATGTCAGGTGGCC-3'
Protein context (NP_001596.2, residues 40-60): LFANAGMNQF[Lys50Glu]PIFLNTIDPS

ClinVar aggregate classification (germline): Uncertain significance (1 of 4 stars; one submission).

Conditions:
Charcot-Marie-Tooth disease type 2. Also called: Charcot-Marie-Tooth type 2. Identifiers: Orphanet 64746, MedGen C0270914, MONDO:0018993.

Allele frequency attached by ClinVar (database versions not stated): gnomAD exomes below 0.00001.
gnomAD v4.1: 1 of 1,614,072 alleles (0.000062%); highest among the groups gnomAD compares: Non-Finnish European, 0.000085%; no homozygotes.

Submission:

Labcorp Genetics (formerly Invitae), Labcorp
Classification: Uncertain significance for Charcot-Marie-Tooth disease type 2. Last evaluated: 2023-02-26. Review status: criteria provided, single submitter. Criteria: Invitae Variant Classification Sherloc (09022015). Collection method: clinical testing. Allele origin: germline.
Comment: In summary, the available evidence is currently insufficient to determine the role of this variant in disease. Therefore, it has been classified as a Variant of Uncertain Significance. Advanced modeling of protein sequence and biophysical properties (such as structural, functional, and spatial information, amino acid conservation, physicochemical variation, residue mobility, and thermodynamic stability) performed at Invitae indicates that this missense variant is expected to disrupt AARS protein function. This variant has not been reported in the literature in individuals affected with AARS-related conditions. This variant is not present in population databases (gnomAD no frequency). This sequence change replaces lysine, which is basic and polar, with glutamic acid, which is acidic and polar, at codon 50 of the AARS protein (p.Lys50Glu).